The following is an entry in ClinVar:

NM_000540.3(RYR1):c.4949T>C (p.Leu1650Pro)

Gene: RYR1 (ryanodine receptor 1; plus strand). Cytogenetic location: 19q13.2.
Variant type: single nucleotide variant.
Coding change: c.4949T>C on transcript NM_000540.3 (MANE Select); coding-DNA position 4949, T replaced by C.
Protein change: p.Leu1650Pro; replaces leucine 1650 with proline.
Molecular consequence: missense variant.
Genome position (GRCh38, 1-based): chr19:38,485,604, T>C. VCF-style: chr19-38485604-T-C. GRCh37 (hg19) VCF-style: chr19-38976244-T-C.
Other names: c.4949T>C, p.Leu1650Pro (NM_001042723.2); short protein forms L1650P.
Identifiers: ClinVar variation 2649795 (VCV002649795.24), dbSNP rs2514225599, ClinGen allele CA405652499.

ClinVar aggregate classification (germline): Uncertain significance (1 of 4 stars; one submission).

Submission:

CeGaT Center for Human Genetics Tuebingen
Classification: Uncertain significance. Last evaluated: 2023-04-01. Review status: criteria provided, single submitter. Criteria: CeGaT Center For Human Genetics Tuebingen Variant Classification Criteria Version 2. Collection method: clinical testing. Allele origin: germline. Affected: yes. Observed: 1 variant allele.
Comment: RYR1: PM2, PP3